The following is an entry in ClinVar:

ClinVar aggregate classification (germline): Pathogenic/Likely pathogenic. Review status: criteria provided, multiple submitters, no conflicts (2 of 4 stars). 2 submissions from 2 submitters: Pathogenic (1); Likely pathogenic (1). Last evaluated 2024-03-06.

Conditions:
Polycystic kidney disease, adult type (PKD1). Also called: POLYCYSTIC KIDNEY DISEASE, ADULT, TYPE I; Polycystic Kidney Disease 1, Autosomal Dominant; Polycystic kidney disease 1; Polycystic kidney disease 1, severe; Polycystic Kidney, Autosomal Dominant; POLYCYSTIC KIDNEY DISEASE 1 WITH OR WITHOUT POLYCYSTIC LIVER DISEASE. Identifiers: MedGen C3149841, MONDO:0008263, OMIM 173900.

Submissions (2):

Fulgent Genetics
Classification: Pathogenic for Polycystic kidney disease, adult type. Last evaluated: 2024-03-06. Review status: criteria provided, single submitter. Criteria: ACMG Guidelines, 2015. Collection method: clinical testing. Allele origin: germline.

Juno Genomics, Hangzhou Juno Genomics, Inc
Classification: Likely pathogenic for Polycystic kidney disease, adult type. Review status: criteria provided, single submitter. Criteria: ACMG Guidelines, 2015. Collection method: clinical testing. Allele origin: germline. Affected: yes.
Comment: Null variant in a gene where loss of function (LOF) is a known mechanism of disease.;Absent from controls (or at extremely low frequency if recessive) in Genome Aggregation Database, Exome Sequencing Project, 1000 Genomes Project, or Exome Aggregation Consortium.

NM_001009944.3(PKD1):c.117C>A (p.Cys39Ter)

Gene: PKD1 (polycystin 1, transient receptor potential channel interacting; minus strand). Cytogenetic location: 16p13.3.
Variant type: single nucleotide variant.
Coding change: c.117C>A on transcript NM_001009944.3 (MANE Select); coding-DNA position 117, C replaced by A.
Protein change: p.Cys39Ter; replaces cysteine 39 with a stop codon.
Molecular consequence: nonsense.
Genome position (GRCh38, 1-based): chr16:2,135,573, G>T on the plus strand (C>A on the coding strand, the complement: PKD1 is on the minus strand). VCF-style: chr16-2135573-G-T. GRCh37 (hg19) VCF-style: chr16-2185574-G-T.
Other names: c.117C>A, p.Cys39Ter (NM_000296.4); short protein forms C39*.
Identifiers: ClinVar variation 3381851 (VCV003381851.3).